The following is an entry in ClinVar:

ClinVar aggregate classification (germline): Uncertain significance. Review status: criteria provided, multiple submitters, no conflicts (2 of 4 stars). 4 submissions from 4 submitters: Uncertain significance (4). Last evaluated 2025-09-29.

Conditions:
Hereditary cancer-predisposing syndrome. Also called: Tumor predisposition; Hereditary neoplastic syndrome; Hereditary Cancer Syndrome; Neoplastic Syndromes, Hereditary. Identifiers: Orphanet 140162, MedGen C0027672, MeSH D009386, MONDO:0015356.
Familial cancer of breast. Also called: hereditary breast carcinoma; BREAST CANCER, FAMILIAL; Hereditary breast cancer. Identifiers: Orphanet 227535, MedGen C0346153, MONDO:0016419, OMIM 114480. Disease mechanism: loss of function.

Allele frequency attached by ClinVar (database versions not stated): TOPMed below 0.00001; gnomAD 0.00001.
gnomAD v4.1: 1 of 1,614,050 alleles (0.000062%); highest among the groups gnomAD compares: Admixed American, 0.0017%; no homozygotes.

Submissions (4):

Ambry Genetics
Classification: Uncertain significance for Hereditary cancer-predisposing syndrome. Last evaluated: 2025-09-29. Review status: criteria provided, single submitter. Criteria: Ambry Variant Classification Scheme 2023. Collection method: clinical testing. Allele origin: germline.
Comment: The p.K131E variant (also known as c.391A>G), located in coding exon 2 of the CHEK2 gene, results from an A to G substitution at nucleotide position 391. The lysine at codon 131 is replaced by glutamic acid, an amino acid with similar properties. This amino acid position is conserved. In addition, the in silico prediction for this alteration is inconclusive. Based on the available evidence, the clinical significance of this variant remains unclear.

Labcorp Genetics (formerly Invitae), Labcorp
Classification: Uncertain significance for Familial cancer of breast. Last evaluated: 2024-09-03. Review status: criteria provided, single submitter. Criteria: Invitae Variant Classification Sherloc (09022015). Collection method: clinical testing. Allele origin: germline.
Comment: This sequence change replaces lysine, which is basic and polar, with glutamic acid, which is acidic and polar, at codon 131 of the CHEK2 protein (p.Lys131Glu). This variant is not present in population databases (gnomAD no frequency). This variant has not been reported in the literature in individuals affected with CHEK2-related conditions. ClinVar contains an entry for this variant (Variation ID: 576044). An algorithm developed to predict the effect of missense changes on protein structure and function (PolyPhen-2) suggests that this variant is likely to be tolerated. In summary, the available evidence is currently insufficient to determine the role of this variant in disease. Therefore, it has been classified as a Variant of Uncertain Significance.

Color Diagnostics, LLC DBA Color Health
Classification: Uncertain significance for Hereditary cancer-predisposing syndrome. Last evaluated: 2024-03-06. Review status: criteria provided, single submitter. Criteria: ACMG Guidelines, 2015. Collection method: clinical testing. Allele origin: germline.
Comment: This missense variant replaces lysine with glutamic acid at codon 131 of the CHEK2 protein. Computational prediction tool is inconclusive regarding the impact of this variant on protein structure and function (internally defined REVEL score threshold 0.5 < inconclusive < 0.7, PMID: 27666373). Splice site prediction tools suggest that this variant may not impact RNA splicing. To our knowledge, functional studies have not been performed for this variant. This variant has not been reported in individuals affected with hereditary cancer in the literature. This variant has not been identified in the general population by the Genome Aggregation Database (gnomAD). The available evidence is insufficient to determine the role of this variant in disease conclusively. Therefore, this variant is classified as a Variant of Uncertain Significance.

Baylor Genetics
Classification: Uncertain significance for Familial cancer of breast. Last evaluated: 2023-09-06. Review status: criteria provided, single submitter. Criteria: ACMG Guidelines, 2015. Collection method: clinical testing. Allele origin: unknown.

NM_007194.4(CHEK2):c.391A>G (p.Lys131Glu)

Gene: CHEK2 (checkpoint kinase 2; minus strand). Cytogenetic location: 22q12.1.
Variant type: single nucleotide variant.
Coding change: c.391A>G on transcript NM_007194.4 (MANE Select); coding-DNA position 391, A replaced by G.
Protein change: p.Lys131Glu; replaces lysine 131 with glutamic acid.
Molecular consequence: missense variant.
Genome position (GRCh38, 1-based): chr22:28,725,296, T>C on the plus strand (A>G on the coding strand, the complement: CHEK2 is on the minus strand). VCF-style: chr22-28725296-T-C. GRCh37 (hg19) VCF-style: chr22-29121284-T-C.
Other names: c.520A>G, p.Lys174Glu (NM_001005735.3); c.-387A>G (NM_001257387.3); c.391A>G, p.Lys131Glu (NM_001349956.3, NM_145862.3); short protein forms K131E, K174E.
Identifiers: ClinVar variation 576044 (VCV000576044.17), dbSNP rs1275395933, ClinGen allele CA411108042.